The following is an entry in ClinVar:

ClinVar aggregate classification (germline): Uncertain significance (1 of 4 stars; one submission).

Conditions:
Hereditary breast ovarian cancer syndrome. Also called: Hereditary breast and ovarian cancer syndrome (HBOC); BRCA1- and BRCA2-Associated Hereditary Breast and Ovarian Cancer; Hereditary breast and ovarian cancer syndrome; Breast and ovarian cancer; Hereditary breast and ovarian cancer; Hereditary breast and/or ovarian cancer syndrome. Identifiers: Orphanet 145, MedGen C0677776, MeSH D061325, MONDO:0003582. Disease mechanism: loss of function.

Submission:

Labcorp Genetics (formerly Invitae), Labcorp
Classification: Uncertain significance for Hereditary breast ovarian cancer syndrome. Last evaluated: 2018-01-08. Review status: criteria provided, single submitter. Criteria: Invitae Variant Classification Sherloc (09022015). Collection method: clinical testing. Allele origin: germline.
Comment: This sequence change replaces serine with phenylalanine at codon 1437 of the BRCA1 protein (p.Ser1437Phe). The serine residue is weakly conserved and there is a large physicochemical difference between serine and phenylalanine. In summary, the available evidence is currently insufficient to determine the role of this variant in disease. Therefore, it has been classified as a Variant of Uncertain Significance. Algorithms developed to predict the effect of missense changes on protein structure and function (SIFT, PolyPhen-2, Align-GVGD) all suggest that this variant is likely to be tolerated, but these predictions have not been confirmed by published functional studies and their clinical significance is uncertain. This variant has not been reported in the literature in individuals with BRCA1-related disease. This variant is not present in population databases (ExAC no frequency).

NM_007294.4(BRCA1):c.4310C>T (p.Ser1437Phe)

Gene: BRCA1 (BRCA1 DNA repair associated; minus strand). Cytogenetic location: 17q21.31.
Variant type: single nucleotide variant.
Coding change: c.4310C>T on transcript NM_007294.4 (MANE Select); coding-DNA position 4310, C replaced by T.
Protein change: p.Ser1437Phe; replaces serine 1437 with phenylalanine.
Molecular consequence: missense variant. On other transcripts: non-coding transcript variant (1).
Genome position (GRCh38, 1-based): chr17:43,082,451, G>A on the plus strand (C>T on the coding strand, the complement: BRCA1 is on the minus strand). VCF-style: chr17-43082451-G-A. GRCh37 (hg19) VCF-style: chr17-41234468-G-A.
Other names: c.4184C>T, p.Ser1395Phe (NM_001407682.1, NM_001407683.1, NM_001407688.1 and 12 more transcripts); c.998C>T, p.Ser333Phe (NM_001407990.1, NM_001407991.1, NM_001407992.1 and 18 more transcripts); c.4310C>T, p.Ser1437Phe (NM_001407684.1, NM_001407581.1, NM_001407582.1 and 23 more transcripts); c.1001C>T, p.Ser334Phe (NM_001407993.1, NM_001407970.1, NM_001407971.1 and 9 more transcripts); c.4181C>T, p.Ser1394Phe (NM_001407685.1, NM_001407690.1, NM_001407686.1 and 2 more transcripts); c.4106C>T, p.Ser1369Phe (NM_001407875.1, NM_001407874.1); c.4100C>T, p.Ser1367Phe (NM_001407879.1, NM_001407881.1, NM_001407882.1 and 9 more transcripts); c.4097C>T, p.Ser1366Phe (NM_001407894.1, NM_001407895.1, NM_001407571.1 and 12 more transcripts); and 51 more; short protein forms S1437F, S1390F, S334F, S1141F, S1309F, S1347F, S1348F, S1365F.
Identifiers: ClinVar variation 531421 (VCV000531421.10), dbSNP rs1555584083, ClinGen allele CA10593099.